The following is an entry in ClinVar:

NM_015466.4(PTPN23):c.2486C>T (p.Pro829Leu)

Gene: PTPN23 (protein tyrosine phosphatase non-receptor type 23; plus strand). Cytogenetic location: 3p21.31.
Variant type: single nucleotide variant.
Coding change: c.2486C>T on transcript NM_015466.4 (MANE Select); coding-DNA position 2486, C replaced by T.
Protein change: p.Pro829Leu; replaces proline 829 with leucine.
Molecular consequence: missense variant.
Genome position (GRCh38, 1-based): chr3:47,410,284, C>T. VCF-style: chr3-47410284-C-T. GRCh37 (hg19) VCF-style: chr3-47451774-C-T.
Other names: c.2108C>T, p.Pro703Leu (NM_001304482.2); c.2486C>T (NM_015466.2); short protein forms P829L, P703L.
Identifiers: ClinVar variation 636318 (VCV000636318.9), dbSNP rs138076291, ClinGen allele CA73880236.

ClinVar aggregate classification (germline): Uncertain significance. Review status: criteria provided, multiple submitters, no conflicts (2 of 4 stars). 3 submissions from 3 submitters: Uncertain significance (2). 1 of the submissions does not count toward it. Last evaluated 2026-08-13.

Conditions:
Global developmental delay (DD). Also called: Cognitive delay. Identifiers: MedGen C0557874, HP:0001263. Disease mechanism: loss of function.
Brain atrophy. Identifiers: MedGen C4551584, HP:0012444.

Allele frequency attached by ClinVar (database versions not stated): gnomAD 0.00001 and 0.00002; TOPMed 0.00001; 1000 Genomes Project 0.00020; gnomAD exomes 0.00001; 1000 Genomes Project 30x 0.00016.
gnomAD v4.1: 23 of 1,606,516 alleles (0.0014%); highest among the groups gnomAD compares: Middle Eastern, 0.017%; no homozygotes.

Submissions (3):

GeneDx
Classification: Uncertain significance. Last evaluated: 2026-08-13. Review status: criteria provided, single submitter. Criteria: GeneDx Variant Classification Process June 2021. Collection method: clinical testing. Allele origin: germline.
Comment: Not observed at significant frequency in large population cohorts (gnomAD); In silico analysis supports that this missense variant has a deleterious effect on protein structure/function; This variant is associated with the following publications: (PMID: 31395947)

Labcorp Genetics (formerly Invitae), Labcorp
Classification: Uncertain significance. Last evaluated: 2022-05-05. Review status: criteria provided, single submitter. Criteria: Invitae Variant Classification Sherloc (09022015). Collection method: clinical testing. Allele origin: germline.
Comment: This sequence change replaces proline, which is neutral and non-polar, with leucine, which is neutral and non-polar, at codon 829 of the PTPN23 protein (p.Pro829Leu). This variant is present in population databases (rs138076291, gnomAD 0.002%). This missense change has been observed in individual(s) with PTPN23-related conditions (PMID: 31395947). ClinVar contains an entry for this variant (Variation ID: 636318). Algorithms developed to predict the effect of missense changes on protein structure and function are either unavailable or do not agree on the potential impact of this missense change (SIFT: "Deleterious"; PolyPhen-2: "Not Available"; Align-GVGD: "Class C0"). In summary, the available evidence is currently insufficient to determine the role of this variant in disease. Therefore, it has been classified as a Variant of Uncertain Significance.

Regeneron Genetics Center, Regeneron
Classification: Likely pathogenic for Global developmental delay; Brain atrophy. Last evaluated: 2019-02-15. Review status: no assertion criteria provided. Collection method: research. Allele origin: germline. Affected: yes. Not counted in ClinVar's aggregate classification.
Comment: Identified in cohort of patients with neurodevelopmental disorder accompanied by structural brain abnormalities

Literature cited by the submitters: PubMed 31395947 (cited by Labcorp Genetics (formerly Invitae), Labcorp).